The following is an entry in ClinVar:

NC_000006.11:g.(?_123539746)_(123833527_?)del

Gene: TRDN (triadin; minus strand). Cytogenetic location: 6q22.31.
Variant type: Deletion.
Identifiers: ClinVar variation 2425498 (VCV002425498.3).

ClinVar aggregate classification (germline): Uncertain significance (1 of 4 stars; one submission).

Conditions:
Catecholaminergic polymorphic ventricular tachycardia 1. Also called: VENTRICULAR TACHYCARDIA, CATECHOLAMINERGIC POLYMORPHIC, 1, WITH OR WITHOUT ATRIAL DYSFUNCTION AND/OR DILATED CARDIOMYOPATHY; RYR2-Related Catecholaminergic Polymorphic Ventricular Tachycardia; VENTRICULAR TACHYCARDIA, STRESS-INDUCED POLYMORPHIC 1. Identifiers: Orphanet 3286, MedGen C1631597, MONDO:0011484, OMIM 604772.

Submission:

Labcorp Genetics (formerly Invitae), Labcorp
Classification: Uncertain significance for Catecholaminergic polymorphic ventricular tachycardia 1. Last evaluated: 2022-08-20. Review status: criteria provided, single submitter. Criteria: Invitae Variant Classification Sherloc (09022015). Collection method: clinical testing. Allele origin: germline.
Comment: This variant is a gross deletion of the genomic region encompassing exon(s) 7-41 of the TRDN gene, which includes the termination codon. This deletion extends beyond the assayed region for this gene and therefore may encompass additional genes. While this deletion is not anticipated to lead to nonsense mediated decay, it is expected to alter mRNA translation or result in a truncated protein product. This variant has not been reported in the literature in individuals affected with TRDN-related conditions. In summary, the available evidence is currently insufficient to determine the role of this variant in disease. Therefore, it has been classified as a Variant of Uncertain Significance.